The following is an entry in ClinVar:

NM_181523.3(PIK3R1):c.436T>G (p.Cys146Gly)

Gene: PIK3R1 (phosphoinositide-3-kinase regulatory subunit 1; plus strand). Cytogenetic location: 5q13.1.
Variant type: single nucleotide variant.
Coding change: c.436T>G on transcript NM_181523.3 (MANE Select); coding-DNA position 436, T replaced by G.
Protein change: p.Cys146Gly; replaces cysteine 146 with glycine.
Molecular consequence: missense variant.
Genome position (GRCh38, 1-based): chr5:68,273,947, T>G. VCF-style: chr5-68273947-T-G. GRCh37 (hg19) VCF-style: chr5-67569775-T-G.
Other names: short protein forms C146G.
Identifiers: ClinVar variation 3754776 (VCV003754776.2).

ClinVar aggregate classification (germline): Uncertain significance (1 of 4 stars; one submission).

Conditions:
Agammaglobulinemia 7, autosomal recessive (AGM7). Also called: AGAMMAGLOBULINEMIA, AUTOSOMAL RECESSIVE, DUE TO PIK3R1 DEFECT. Identifiers: MedGen C3554689, MONDO:0014083, OMIM 615214.
Immunodeficiency 36 with lymphoproliferation. Also called: Immunodeficiency 36; ACTIVATED PI3K-DELTA SYNDROME 2; Activated PI3K Delta Syndrome Type 2 (APDS2). Identifiers: Orphanet 397596, Orphanet 693681, MedGen C4014934, MONDO:0014453, OMIM 616005.
SHORT syndrome. Also called: SHORT STATURE, HYPEREXTENSIBILITY, HERNIA, OCULAR DEPRESSION, RIEGER ANOMALY, AND TEETHING DELAY; LIPODYSTROPHY, PARTIAL, WITH RIEGER ANOMALY AND SHORT STATURE; PIK3R1-Related SHORT Syndrome. Identifiers: Orphanet 3163, MedGen C0878684, MONDO:0010026, OMIM 269880.

Submission:

Labcorp Genetics (formerly Invitae), Labcorp
Classification: Uncertain significance for SHORT syndrome; Immunodeficiency 36 with lymphoproliferation; Agammaglobulinemia 7, autosomal recessive. Last evaluated: 2025-10-29. Review status: criteria provided, single submitter. Criteria: Invitae Variant Classification Sherloc (09022015). Collection method: clinical testing. Allele origin: germline.
Comment: This sequence change replaces cysteine, which is neutral and slightly polar, with glycine, which is neutral and non-polar, at codon 146 of the PIK3R1 protein (p.Cys146Gly). This variant is not present in population databases (gnomAD no frequency). This variant has not been reported in the literature in individuals affected with PIK3R1-related conditions. ClinVar contains an entry for this variant (Variation ID: 3754776). An algorithm developed to predict the effect of missense changes on protein structure and function (PolyPhen-2) suggests that this variant is likely to be tolerated. In summary, the available evidence is currently insufficient to determine the role of this variant in disease. Therefore, it has been classified as a Variant of Uncertain Significance.